The following is an entry in ClinVar:

NM_024721.5(ZFHX4):c.1020A>G (p.Lys340=)

Gene: ZFHX4 (zinc finger homeobox 4; plus strand). Cytogenetic location: 8q21.13.
Variant type: single nucleotide variant.
Coding change: c.1020A>G on transcript NM_024721.5 (MANE Select); coding-DNA position 1020, A replaced by G.
Protein change: p.Lys340=; no amino-acid change (lysine 340 retained).
Molecular consequence: synonymous variant.
Genome position (GRCh38, 1-based): chr8:76,705,108, A>G. VCF-style: chr8-76705108-A-G. GRCh37 (hg19) VCF-style: chr8-77617343-A-G.
Other names: c.1020A>G, p.Lys340= (NM_001410934.1).
Identifiers: ClinVar variation 4084980 (VCV004084980.8).

ClinVar aggregate classification (germline): Likely benign (1 of 4 stars; one submission).

gnomAD v4.1: 3 of 1,613,708 alleles (0.00019%); highest among the groups gnomAD compares: Non-Finnish European, 0.00025%; no homozygotes.

Submission:

CeGaT Center for Human Genetics Tuebingen
Classification: Likely benign. Last evaluated: 2025-08-01. Review status: criteria provided, single submitter. Criteria: CeGaT Center For Human Genetics Tuebingen Variant Classification Criteria Version 2. Collection method: clinical testing. Allele origin: germline. Affected: yes. Observed: 1 variant allele.
Comment: ZFHX4: BP4